The following is an entry in ClinVar:

NM_001393769.1(MED12L):c.4561del (p.Leu1520_Leu1521insTer)

Genes: MED12L (mediator complex subunit 12L; plus strand), P2RY12 (purinergic receptor P2Y12; minus strand). Cytogenetic location: 3q25.1.
Variant type: Deletion.
Coding change: c.4561del on transcript NM_001393769.1 (MANE Select); coding-DNA position 4561, one base deleted (C; older notation c.4561delC).
Protein change: p.Leu1520_Leu1521insTer.
Molecular consequence: nonsense. On other transcripts: intron variant (1).
Genome position (GRCh38, 1-based): chr3:151,380,195, C deleted; the last of 2 consecutive C bases (chr3:151,380,194-151,380,195); deleting either gives the same sequence. VCF-style (leftmost placement, unchanged base first): chr3-151380193-TC-T. GRCh37 (hg19) VCF-style: chr3-151097981-TC-T.
Other names: c.4456del, p.Leu1485_Leu1486insTer (NM_053002.6); c.-180+4498del (NM_022788.5).
Identifiers: ClinVar variation 4999655 (VCV004999655.1).

ClinVar aggregate classification (germline): Uncertain significance (1 of 4 stars; one submission).

Conditions:
MED12L-related disorder. Also called: MED12L-related condition.

Submission:

PreventionGenetics, part of Exact Sciences
Classification: Uncertain significance for MED12L-related condition. Last evaluated: 2025-05-22. Review status: criteria provided, single submitter. Criteria: ACMG Guidelines, 2015. Collection method: clinical testing. Allele origin: germline.
Comment: The MED12L c.4456delC variant is predicted to result in premature protein termination (p.Leu1486*). To our knowledge, this variant has not been reported in the literature or in a large population database (gnomAD), indicating this variant is rare. Causative MED12L variants typically arise de novo. Although we suspect that this variant may be pathogenic, at this time, the clinical significance of this variant is uncertain due to the absence of conclusive functional and genetic evidence.